The following is an entry in ClinVar:

NM_021147.5(CCNO):c.327dup (p.Lys110fs)

Gene: CCNO (cyclin O; minus strand). Cytogenetic location: 5q11.2.
Variant type: Duplication.
Coding change: c.327dup on transcript NM_021147.5 (MANE Select); coding-DNA position 327, one base duplicated (C; older notation c.327dupC).
Protein change: p.Lys110fs; shifts the reading frame from lysine 110.
Molecular consequence: frameshift variant. On other transcripts: non-coding transcript variant (2).
Genome position (GRCh38, 1-based): chr5:55,233,197, G duplicated on the plus strand (C on the coding strand, the reverse complement: CCNO is on the minus strand). VCF-style (leftmost placement, unchanged base first): chr5-55233196-T-TG. GRCh37 (hg19) VCF-style: chr5-54529024-T-TG.
Other names: short protein forms K110fs.
Identifiers: ClinVar variation 2025244 (VCV002025244.4), dbSNP rs1745647423, ClinGen allele CA1547396714.

ClinVar aggregate classification (germline): Pathogenic (1 of 4 stars; one submission).

Conditions:
Primary ciliary dyskinesia. Also called: Ciliary dyskinesia. Identifiers: Orphanet 244, MedGen C0008780, MONDO:0016575, HP:0012265.

Allele frequency attached by ClinVar (database versions not stated): gnomAD exomes below 0.00001; TOPMed below 0.00001.

Submission:

Labcorp Genetics (formerly Invitae), Labcorp
Classification: Pathogenic for Primary ciliary dyskinesia. Last evaluated: 2022-08-20. Review status: criteria provided, single submitter. Criteria: Invitae Variant Classification Sherloc (09022015). Collection method: clinical testing. Allele origin: germline.
Comment: For these reasons, this variant has been classified as Pathogenic. This variant has not been reported in the literature in individuals affected with CCNO-related conditions. This variant is not present in population databases (gnomAD no frequency). This sequence change creates a premature translational stop signal (p.Lys110Glnfs*26) in the CCNO gene. It is expected to result in an absent or disrupted protein product. Loss-of-function variants in CCNO are known to be pathogenic (PMID: 24747639).

Literature cited by the submitters: PubMed 24747639.